The following is an entry in ClinVar:

NM_014339.7(IL17RA):c.1799C>G (p.Ser600Cys)

Gene: IL17RA (interleukin 17 receptor A; plus strand). Cytogenetic location: 22q11.1.
Variant type: single nucleotide variant.
Coding change: c.1799C>G on transcript NM_014339.7 (MANE Select); coding-DNA position 1799, C replaced by G.
Protein change: p.Ser600Cys; replaces serine 600 with cysteine.
Molecular consequence: missense variant.
Genome position (GRCh38, 1-based): chr22:17,109,018, C>G. VCF-style: chr22-17109018-C-G. GRCh37 (hg19) VCF-style: chr22-17589908-C-G.
Other names: c.1697C>G, p.Ser566Cys (NM_001289905.2); short protein forms S600C, S566C.
Identifiers: ClinVar variation 2201190 (VCV002201190.1), dbSNP rs1284908688, ClinGen allele CA410218987.

ClinVar aggregate classification (germline): Uncertain significance (1 of 4 stars; one submission).

Conditions:
Immunodeficiency 51 (IMD51). Also called: CANDIDIASIS, FAMILIAL, 5. Identifiers: Orphanet 1334, MedGen C4310803, MONDO:0013500, OMIM 613953.

Allele frequency attached by ClinVar (database versions not stated): gnomAD exomes below 0.00001; gnomAD 0.00001; TOPMed 0.00001.
gnomAD v4.1: 8 of 1,597,984 alleles (0.0005%); highest among the groups gnomAD compares: Non-Finnish European, 0.00059%; no homozygotes.

Submission:

Labcorp Genetics (formerly Invitae), Labcorp
Classification: Uncertain significance for Immunodeficiency 51. Last evaluated: 2022-05-05. Review status: criteria provided, single submitter. Criteria: Invitae Variant Classification Sherloc (09022015). Collection method: clinical testing. Allele origin: germline.
Comment: This sequence change replaces serine, which is neutral and polar, with cysteine, which is neutral and slightly polar, at codon 600 of the IL17RA protein (p.Ser600Cys). This variant is not present in population databases (gnomAD no frequency). This variant has not been reported in the literature in individuals affected with IL17RA-related conditions. Algorithms developed to predict the effect of missense changes on protein structure and function are either unavailable or do not agree on the potential impact of this missense change (SIFT: "Deleterious"; PolyPhen-2: "Probably Damaging"; Align-GVGD: "Class C0"). In summary, the available evidence is currently insufficient to determine the role of this variant in disease. Therefore, it has been classified as a Variant of Uncertain Significance.